The following is an entry in ClinVar:

NM_020921.4(NIN):c.1585C>T (p.Gln529Ter)

Gene: NIN (ninein; minus strand). Cytogenetic location: 14q22.1.
Variant type: single nucleotide variant.
Coding change: c.1585C>T on transcript NM_020921.4 (MANE Select); coding-DNA position 1585, C replaced by T.
Protein change: p.Gln529Ter; replaces glutamine 529 with a stop codon.
Molecular consequence: nonsense.
Genome position (GRCh38, 1-based): chr14:50,766,357, G>A on the plus strand (C>T on the coding strand, the complement: NIN is on the minus strand). VCF-style: chr14-50766357-G-A. GRCh37 (hg19) VCF-style: chr14-51233075-G-A.
Other names: c.1585C>T, p.Gln529Ter (NM_016350.5, NM_182944.3, NM_182946.2); short protein forms Q529*.
Identifiers: ClinVar variation 3714021 (VCV003714021.2).
Genomic context (GRCh38, chr14:50,766,357, plus strand): 5'-GTCTACCTACCCTGCACTGCCGCTCATATTCATTTCTCATCTGTGTCAGTCTCTCTTCTT[G>A]CAGGAAGAACTCAGCACTGCTAGGATCGAGGTCACCAAACTAGAAGGGGAAAAGGGCAAA-3'

ClinVar aggregate classification (germline): Uncertain significance (1 of 4 stars; one submission).

Submission:

Labcorp Genetics (formerly Invitae), Labcorp
Classification: Uncertain significance. Last evaluated: 2024-12-31. Review status: criteria provided, single submitter. Criteria: Invitae Variant Classification Sherloc (09022015). Collection method: clinical testing. Allele origin: germline.
Comment: This sequence change creates a premature translational stop signal (p.Gln529*) in the NIN gene. It is expected to result in an absent or disrupted protein product. However, the current clinical and genetic evidence is not sufficient to establish whether loss-of-function variants in NIN cause disease. This variant is not present in population databases (gnomAD no frequency). This variant has not been reported in the literature in individuals affected with NIN-related conditions. In summary, the available evidence is currently insufficient to determine the role of this variant in disease. Therefore, it has been classified as a Variant of Uncertain Significance.